The following is an entry in ClinVar:

NM_015602.4(TOR1AIP1):c.327G>C (p.Arg109Ser)

Genes: TOR1AIP1 (torsin 1A interacting protein 1; plus strand), LOC112577517 (Sharpr-MPRA regulatory region 13766; plus strand). Cytogenetic location: 1q25.2.
Variant type: single nucleotide variant.
Coding change: c.327G>C on transcript NM_015602.4 (MANE Select); coding-DNA position 327, G replaced by C.
Protein change: p.Arg109Ser; replaces arginine 109 with serine.
Molecular consequence: missense variant.
Genome position (GRCh38, 1-based): chr1:179,882,829, G>C. VCF-style: chr1-179882829-G-C. GRCh37 (hg19) VCF-style: chr1-179851964-G-C.
Other names: c.327G>C, p.Arg109Ser (NM_001267578.2); short protein forms R109S.
Identifiers: ClinVar variation 957976 (VCV000957976.7), dbSNP rs770530581, ClinGen allele CA1268716.

ClinVar aggregate classification (germline): Uncertain significance (1 of 4 stars; one submission).

Conditions:
Autosomal recessive limb-girdle muscular dystrophy type 2Y (MRRSDC). Also called: Muscular dystrophy, limb-girdle, type 2y; Muscular dystrophy, autosomal recessive, with rigid spine and distal joint contractures. Identifiers: Orphanet 424261, MedGen C4511482, MONDO:0014900, OMIM 617072.

Allele frequency attached by ClinVar (database versions not stated): ExAC 0.00001; gnomAD exomes 0.00001; gnomAD 0.00003; TOPMed 0.00008.
gnomAD v4.1: 4 of 1,614,104 alleles (0.00025%); highest among the groups gnomAD compares: African/African-American, 0.0053%; no homozygotes.

Submission:

Labcorp Genetics (formerly Invitae), Labcorp
Classification: Uncertain significance for Autosomal recessive limb-girdle muscular dystrophy type 2Y. Last evaluated: 2023-08-04. Review status: criteria provided, single submitter. Criteria: Invitae Variant Classification Sherloc (09022015). Collection method: clinical testing. Allele origin: germline.
Comment: In summary, the available evidence is currently insufficient to determine the role of this variant in disease. Therefore, it has been classified as a Variant of Uncertain Significance. An algorithm developed to predict the effect of missense changes on protein structure and function (PolyPhen-2) suggests that this variant is likely to be disruptive. ClinVar contains an entry for this variant (Variation ID: 957976). This variant has not been reported in the literature in individuals affected with TOR1AIP1-related conditions. This variant is present in population databases (rs770530581, gnomAD 0.01%). This sequence change replaces arginine, which is basic and polar, with serine, which is neutral and polar, at codon 109 of the TOR1AIP1 protein (p.Arg109Ser).